The following is an entry in ClinVar:

ClinVar aggregate classification (germline): Likely benign (0 of 4 stars; one submission).

Conditions:
AFF4-related disorder. Also called: AFF4-related condition.

gnomAD v4.1: 6 of 1,614,110 alleles (0.00037%); highest among the groups gnomAD compares: African/African-American, 0.0053%; no homozygotes.

Submission:

PreventionGenetics, part of Exact Sciences
Classification: Likely benign for AFF4-related condition. Last evaluated: 2023-08-12. Review status: no assertion criteria provided. Collection method: clinical testing. Allele origin: germline.
Comment: This variant is classified as likely benign based on ACMG/AMP sequence variant interpretation guidelines (Richards et al. 2015 PMID: 25741868, with internal and published modifications).

NM_014423.4(AFF4):c.1473A>G (p.Ser491=)

Gene: AFF4 (ALF transcription elongation factor 4; minus strand). Cytogenetic location: 5q31.1.
Variant type: single nucleotide variant.
Coding change: c.1473A>G on transcript NM_014423.4 (MANE Select); coding-DNA position 1473, A replaced by G.
Protein change: p.Ser491=; no amino-acid change (serine 491 retained).
Molecular consequence: synonymous variant.
Genome position (GRCh38, 1-based): chr5:132,897,157, T>C on the plus strand (A>G on the coding strand, the complement: AFF4 is on the minus strand). VCF-style: chr5-132897157-T-C. GRCh37 (hg19) VCF-style: chr5-132232849-T-C.
Identifiers: ClinVar variation 3355877 (VCV003355877.1).